The following is an entry in ClinVar:

Conditions:
Arteriohepatic dysplasia. Also called: Alagille Syndrome. Identifiers: Orphanet 52, MedGen C0085280, MeSH D016738, MONDO:0007318.

Submission:

Gilbert/Spinner Lab, Children's Hospital of Philadelphia
No classification provided (evidence only). Condition: Alagille syndrome. Review status: no classification provided. Collection method: research. Allele origin: not applicable. Functional consequence: functionally_abnormal.
ClinVar note: "not provided" was previously submitted as the classification for the variant. However, the classification appeared to be based only on an observation of functional data so it was converted to no classification on 2025-07-30.

NM_000214.3(JAG1):c.856A>G (p.Thr286Ala)

Gene: JAG1 (jagged canonical Notch ligand 1; minus strand). Cytogenetic location: 20p12.2.
Variant type: single nucleotide variant.
Coding change: c.856A>G on transcript NM_000214.3 (MANE Select); coding-DNA position 856, A replaced by G.
Protein change: p.Thr286Ala; replaces threonine 286 with alanine.
Molecular consequence: missense variant.
Genome position (GRCh38, 1-based): chr20:10,652,498, T>C on the plus strand (A>G on the coding strand, the complement: JAG1 is on the minus strand). VCF-style: chr20-10652498-T-C. GRCh37 (hg19) VCF-style: chr20-10633146-T-C.
Other names: short protein forms T286A.
Identifiers: ClinVar variation 3573384 (VCV003573384.2).